The following is an entry in ClinVar:

ClinVar aggregate classification (germline): Conflicting classifications of pathogenicity. Review status: criteria provided, conflicting classifications (1 of 4 stars). 3 submissions from 3 submitters: Uncertain significance (1); Likely benign (1). 1 of the submissions does not count toward it. Last evaluated 2025-03-05.

Conditions:
Kabuki syndrome 1 (KABUK1). Also called: KMT2D-Related Kabuki Syndrome. Identifiers: Orphanet 2322, MedGen CN030661, MONDO:0007843, OMIM 147920.
KMT2D-related disorder. Also called: KMT2D-Related Disorders.
Kabuki syndrome. Also called: Kabuki make-up syndrome; NIIKAWA-KUROKI SYNDROME. Identifiers: Orphanet 2322, MedGen C0796004, MONDO:0016512.

Submissions (3):

Labcorp Genetics (formerly Invitae), Labcorp
Classification: Uncertain significance for Kabuki syndrome. Last evaluated: 2025-03-05. Review status: criteria provided, single submitter. Criteria: Invitae Variant Classification Sherloc (09022015). Collection method: clinical testing. Allele origin: germline.
Comment: This variant, c.11855_11863del, results in the deletion of 3 amino acid(s) of the KMT2D protein (p.Gln3952_Gln3954del), but otherwise preserves the integrity of the reading frame. The frequency data for this variant in the population databases is considered unreliable, as metrics indicate poor data quality at this position in the gnomAD database. This variant has not been reported in the literature in individuals affected with KMT2D-related conditions. Experimental studies and prediction algorithms are not available or were not evaluated, and the functional significance of this variant is currently unknown. In summary, the available evidence is currently insufficient to determine the role of this variant in disease. Therefore, it has been classified as a Variant of Uncertain Significance.

Tartaglia Lab, Genetics and Rare Diseases Research Division, Bambino Gesu' Children's Hospital
Classification: Likely benign for Kabuki syndrome 1. Last evaluated: 2023-12-31. Review status: criteria provided, single submitter. Criteria: ACMG Guidelines, 2015. Collection method: research. Allele origin: paternal. Affected: yes.
Comment: The variant was functionally validated by DNA methylayion profiling using a previously reported Kabuki syndrome-specific episignature (PMID: 32109418)

PreventionGenetics, part of Exact Sciences
Classification: Uncertain significance for KMT2D-related condition. Last evaluated: 2024-01-05. Review status: no assertion criteria provided. Collection method: clinical testing. Allele origin: germline. Not counted in ClinVar's aggregate classification.
Comment: The KMT2D c.11855_11863del9 variant is predicted to result in an in-frame deletion (p.Gln3952_Gln3954del). To our knowledge, this variant has not been reported in the literature. This variant is reported in 0.012% of alleles in individuals of European (Non-Finnish) descent in gnomAD, which is likely too frequent to be a disease-associated variant. Although we suspect that this variant may be benign, at this time, the clinical significance of this variant is uncertain due to the absence of conclusive functional and genetic evidence.

NM_003482.4(KMT2D):c.11846AACAGCAGC[1] (p.Gln3952_Gln3954del)

Gene: KMT2D (lysine methyltransferase 2D; minus strand). Cytogenetic location: 12q13.12.
Variant type: Microsatellite.
Coding change: c.11846AACAGCAGC[1] on transcript NM_003482.4 (MANE Select); one copy of the 9-base unit AACAGCAGC starting at c.11846; the reference has two copies in a row; one copy, 9 bases deleted; also written c.11855_11863del.
Protein change: p.Gln3952_Gln3954del.
Molecular consequence: inframe deletion. On other transcripts: inframe indel (1).
Genome position (GRCh38, 1-based): chr12:49,032,842-49,032,850, GCTGCTGTT deleted on the plus strand (AACAGCAGC on the coding strand, the reverse complement: KMT2D is on the minus strand); deleting any 9 consecutive bases within chr12:49,032,842-49,032,860 gives the same sequence; the position shown is the placement nearest the transcript's 3' end. VCF-style (leftmost placement, unchanged base first): chr12-49032841-AGCTGCTGTT-A. GRCh37 (hg19) VCF-style: chr12-49426624-AGCTGCTGTT-A.
Other names: c.11845_11853CAACAGCAG[1], p.Gln3952_Gln3954del (NM_003482.3); c.11855_11863del (NM_003482.4); c.11855_11863del9 (NM_003482.3).
Identifiers: ClinVar variation 2687907 (VCV002687907.6), dbSNP rs765742357, ClinGen allele CA6546284.